The following is an entry in ClinVar:

NM_001348716.2(KDM6B):c.4908+32_4908+33dup

Gene: KDM6B (lysine demethylase 6B; plus strand). Cytogenetic location: 17p13.1.
Variant type: Duplication.
Coding change: c.4908+32_4908+33dup on transcript NM_001348716.2 (MANE Select); bases 32 to 33 of the intron after coding-DNA position 4908, 2 bases duplicated (GG; older notation c.4908+32_4908+33dupGG).
Molecular consequence: intron variant. On other transcripts: frameshift variant (1).
Genome position (GRCh38, 1-based): chr17:7,853,412-7,853,413, GG duplicated. VCF-style (leftmost placement, unchanged base first): chr17-7853411-A-AGG. GRCh37 (hg19) VCF-style: chr17-7756729-A-AGG.
Other names: c.4940_4941dup, p.Arg1648fs (NM_001080424.2); short protein forms R1648fs.
Identifiers: ClinVar variation 4282187 (VCV004282187.1).

ClinVar aggregate classification (germline): Uncertain significance (1 of 4 stars; one submission).

Submission:

GeneDx
Classification: Uncertain significance. Last evaluated: 2025-04-15. Review status: criteria provided, single submitter. Criteria: GeneDx Variant Classification Process June 2021. Collection method: clinical testing. Allele origin: germline. Affected: yes.
Comment: Not observed at significant frequency in large population cohorts (gnomAD); Frameshift variant predicted to result in abnormal protein length as the last 35 amino acid(s) are replaced with 61 different amino acid(s); Has not been previously published as pathogenic or benign to our knowledge